The following is an entry in ClinVar:

ClinVar aggregate classification (germline): Benign/Likely benign. Review status: criteria provided, multiple submitters, no conflicts (2 of 4 stars). 3 submissions from 3 submitters: Benign (1); Likely benign (2). Last evaluated 2025-11-10.

Conditions:
Hereditary cancer-predisposing syndrome. Also called: Neoplastic Syndromes, Hereditary; Hereditary neoplastic syndrome; Hereditary Cancer Syndrome; Tumor predisposition. Identifiers: Orphanet 140162, MedGen C0027672, MeSH D009386, MONDO:0015356.
Gastrointestinal stromal tumor. Also called: Gastrointestinal stromal tumor, somatic; Gastrointestinal stroma tumor. Identifiers: Orphanet 44890, MedGen C0238198, MeSH D046152, MONDO:0011719, OMIM 606764, HP:0100723.
Pheochromocytoma. Also called: MAX-Related Hereditary Paraganglioma-Pheochromocytoma Syndrome. Identifiers: Orphanet 29072, MedGen C0031511, MONDO:0008233, OMIM 171300, HP:0002666.
Pheochromocytoma/paraganglioma syndrome 4. Also called: PARAGANGLIOMA, FAMILIAL MALIGNANT; PARAGANGLIOMAS, HEREDITARY EXTRAADRENAL; PHEOCHROMOCYTOMA, FAMILIAL EXTRAADRENAL; Paragangliomas 4; SDHB-Related Hereditary Paraganglioma-Pheochromocytoma Syndrome (Paragangliomas 4); SDHB-Related Hereditary Paraganglioma-Pheochromocytoma Syndrome. Identifiers: Orphanet 29072, MedGen C1861848, MONDO:0007273, OMIM 115310.

Allele frequency attached by ClinVar (database versions not stated): TOPMed below 0.00001; gnomAD 0.00001.
gnomAD v4.1: 10 of 1,614,004 alleles (0.00062%); highest among the groups gnomAD compares: Middle Eastern, 0.016%; no homozygotes.

Submissions (3):

Labcorp Genetics (formerly Invitae), Labcorp
Classification: Likely benign for Gastrointestinal stromal tumor; Pheochromocytoma/paraganglioma syndrome 4; Pheochromocytoma. Last evaluated: 2025-11-10. Review status: criteria provided, single submitter. Criteria: Invitae Variant Classification Sherloc (09022015). Collection method: clinical testing. Allele origin: germline.

Myriad Genetics, Inc.
Classification: Benign for Pheochromocytoma/paraganglioma syndrome 4. Last evaluated: 2025-03-12. Review status: criteria provided, single submitter. Criteria: Myriad Autosomal Dominant, Autosomal Recessive and X-Linked Classification Criteria (2023). Collection method: clinical testing. Allele origin: unknown.
Comment: This variant is considered benign. This variant is a silent/synonymous amino acid change and it is not expected to impact splicing.

Ambry Genetics
Classification: Likely benign for Hereditary cancer-predisposing syndrome. Last evaluated: 2015-08-11. Review status: criteria provided, single submitter. Criteria: Ambry Variant Classification Scheme 2023. Collection method: clinical testing. Allele origin: germline.

NM_003000.3(SDHB):c.312C>T (p.Asn104=)

Gene: SDHB (succinate dehydrogenase complex iron sulfur subunit B; minus strand). Cytogenetic location: 1p36.13.
Variant type: single nucleotide variant.
Coding change: c.312C>T on transcript NM_003000.3 (MANE Select); coding-DNA position 312, C replaced by T.
Protein change: p.Asn104=; no amino-acid change (asparagine 104 retained).
Molecular consequence: synonymous variant.
Genome position (GRCh38, 1-based): chr1:17,028,711, G>A on the plus strand (C>T on the coding strand, the complement: SDHB is on the minus strand). VCF-style: chr1-17028711-G-A. GRCh37 (hg19) VCF-style: chr1-17355206-G-A.
Identifiers: ClinVar variation 233346 (VCV000233346.16), dbSNP rs876660346, ClinGen allele CA10577677.